The following is an entry in ClinVar:

ClinVar aggregate classification (germline): Uncertain significance (1 of 4 stars; one submission).

Submission:

GeneDx
Classification: Uncertain significance. Last evaluated: 2026-10-26. Review status: criteria provided, single submitter. Criteria: GeneDx Variant Classification Process June 2021. Collection method: clinical testing. Allele origin: germline.
Comment: Not observed at significant frequency in large population cohorts (gnomAD); Frameshift variant predicted to result in protein truncation or nonsense mediated decay in a gene or region of a gene for which loss of function is not a well-established mechanism of disease; Has not been previously published as pathogenic or benign to our knowledge

NM_001395656.1(ROBO2):c.3713del (p.Leu1238fs)

Gene: ROBO2 (roundabout guidance receptor 2; plus strand). Cytogenetic location: 3p12.3.
Variant type: Deletion.
Coding change: c.3713del on transcript NM_001395656.1 (MANE Select); coding-DNA position 3713, one base deleted (T; older notation c.3713delT).
Protein change: p.Leu1238fs; shifts the reading frame from leucine 1238.
Molecular consequence: frameshift variant.
Genome position (GRCh38, 1-based): chr3:77,622,373, T deleted. VCF-style (leftmost placement, unchanged base first): chr3-77622372-CT-C. GRCh37 (hg19) VCF-style: chr3-77671523-CT-C.
Other names: c.3749del, p.Leu1250fs (NM_001128929.3); c.3713del, p.Leu1238fs (NM_001290039.2, NM_001290040.2); c.1922del, p.Leu641fs (NM_001290065.2); c.3761del, p.Leu1254fs (NM_001378190.1, NM_001378200.1, NM_001378201.1 and 1 more transcripts); c.3887del, p.Leu1296fs (NM_001378191.1, NM_001378195.1, NM_001378196.1); c.3782del, p.Leu1261fs (NM_001378192.1, NM_001378198.1, NM_001378199.1); c.3701del, p.Leu1234fs (NM_001378193.1, NM_002942.5); c.3899del, p.Leu1300fs (NM_001378194.1); and 5 more; short protein forms L1234fs, L1235fs, L1238fs, L1250fs, L1254fs, L1257fs, L1261fs, L1276fs.
Identifiers: ClinVar variation 1712556 (VCV001712556.3), dbSNP rs2471854856, ClinGen allele CA2580070441.